The following is an entry in ClinVar:

ClinVar aggregate classification (germline): Likely benign (1 of 4 stars; one submission).

Submission:

CeGaT Center for Human Genetics Tuebingen
Classification: Likely benign. Last evaluated: 2022-05-01. Review status: criteria provided, single submitter. Criteria: CeGaT Center For Human Genetics Tuebingen Variant Classification Criteria Version 2. Collection method: clinical testing. Allele origin: germline. Affected: yes. Observed: 1 variant allele.
Comment: RARS1: BP4

NM_002887.4(RARS1):c.1873+4A>T

Gene: RARS1 (arginyl-tRNA synthetase 1; plus strand). Cytogenetic location: 5q34.
Variant type: single nucleotide variant.
Coding change: c.1873+4A>T on transcript NM_002887.4 (MANE Select); 4 bases into the intron after coding-DNA position 1873, A replaced by T.
Molecular consequence: intron variant.
Genome position (GRCh38, 1-based): chr5:168,518,066, A>T. VCF-style: chr5-168518066-A-T. GRCh37 (hg19) VCF-style: chr5-167945071-A-T.
Identifiers: ClinVar variation 2656040 (VCV002656040.24), dbSNP rs1582444853, ClinGen allele CA1084174798.